The following is an entry in ClinVar:

NM_058172.6(ANTXR2):c.1179+3T>C

Gene: ANTXR2 (ANTXR cell adhesion molecule 2; minus strand). Cytogenetic location: 4q21.21.
Variant type: single nucleotide variant.
Coding change: c.1179+3T>C on transcript NM_058172.6 (MANE Select); 3 bases into the intron after coding-DNA position 1179, T replaced by C.
Molecular consequence: intron variant.
Genome position (GRCh38, 1-based): chr4:79,983,875, A>G on the plus strand (T>C on the coding strand, the complement: ANTXR2 is on the minus strand). VCF-style: chr4-79983875-A-G. GRCh37 (hg19) VCF-style: chr4-80905029-A-G.
Other names: c.948+3T>C (NM_001286780.2, NM_001286781.2); c.1179+3T>C (NM_001145794.2).
Identifiers: ClinVar variation 906041 (VCV000906041.6), dbSNP rs199610196, ClinGen allele CA2981690.

ClinVar aggregate classification (germline): Likely benign. Review status: criteria provided, multiple submitters, no conflicts (2 of 4 stars). 3 submissions from 3 submitters: Likely benign (3). Last evaluated 2026-01-26.

Conditions:
Hyaline fibromatosis syndrome (HFS). Also called: Hyalinosis, Inherited Systemic; HYALINOSIS, SYSTEMIC. Identifiers: Orphanet 2028, Orphanet 498474, MedGen C5574677, MONDO:0009229, OMIM 228600.

Allele frequency attached by ClinVar (database versions not stated): gnomAD 0.00017 and 0.00025; gnomAD exomes 0.00019 and 0.00064; TOPMed 0.00040; ExAC 0.00069; 1000 Genomes Project 0.00180; 1000 Genomes Project 30x 0.00187.
gnomAD v4.1: 320 of 1,608,586 alleles (0.02%); highest among the groups gnomAD compares: East Asian, 0.61%; 3 homozygotes.

Submissions (3):

Labcorp Genetics (formerly Invitae), Labcorp
Classification: Likely benign. Last evaluated: 2026-01-26. Review status: criteria provided, single submitter. Criteria: Invitae Variant Classification Sherloc (09022015). Collection method: clinical testing. Allele origin: germline.

Blueprint Genetics
Classification: Likely benign. Last evaluated: 2024-03-25. Review status: criteria provided, single submitter. Criteria: ACMG Guidelines, 2015. Collection method: clinical testing. Allele origin: germline.

Illumina Laboratory Services, Illumina
Classification: Likely benign for Hyaline fibromatosis syndrome. Last evaluated: 2018-01-12. Review status: criteria provided, single submitter. Criteria: ICSL Variant Classification Criteria 13 December 2019. Collection method: clinical testing. Allele origin: germline.
Comment: This variant was observed in the ICSL laboratory as part of a predisposition screen in an ostensibly healthy population. It had not been previously curated by ICSL or reported in the Human Gene Mutation Database (HGMD: prior to June 1st, 2018), and was therefore a candidate for classification through an automated scoring system. Utilizing variant allele frequency, disease prevalence and penetrance estimates, and inheritance mode, an automated score was calculated to assess if this variant is too frequent to cause the disease. Based on the score and internal cut-off values, a variant classified as likely benign is not then subjected to further curation. The score for this variant resulted in a classification of likely benign for this disease.